The following is an entry in ClinVar:

NM_032444.4(SLX4):c.4191C>A (p.Asp1397Glu)

Gene: SLX4 (SLX4 structure-specific endonuclease subunit; minus strand). Cytogenetic location: 16p13.3.
Variant type: single nucleotide variant.
Coding change: c.4191C>A on transcript NM_032444.4 (MANE Select); coding-DNA position 4191, C replaced by A.
Protein change: p.Asp1397Glu; replaces aspartic acid 1397 with glutamic acid.
Molecular consequence: missense variant.
Genome position (GRCh38, 1-based): chr16:3,589,447, G>T on the plus strand (C>A on the coding strand, the complement: SLX4 is on the minus strand). VCF-style: chr16-3589447-G-T. GRCh37 (hg19) VCF-style: chr16-3639448-G-T.
Other names: short protein forms D1397E.
Identifiers: ClinVar variation 2900335 (VCV002900335.3), dbSNP rs768464573, ClinGen allele CA7865709.

ClinVar aggregate classification (germline): Uncertain significance (1 of 4 stars; one submission).

Conditions:
Fanconi anemia (FA). Also called: Fanconi's anemia. Identifiers: Orphanet 84, MedGen C0015625, MeSH D005199, MONDO:0019391.

Allele frequency attached by ClinVar (database versions not stated): gnomAD exomes below 0.00001; TOPMed 0.00001; ExAC 0.00002.
gnomAD v4.1: 2 of 1,606,048 alleles (0.00012%); highest among the groups gnomAD compares: East Asian, 0.0045%; no homozygotes.

Submission:

Labcorp Genetics (formerly Invitae), Labcorp
Classification: Uncertain significance for Fanconi anemia. Last evaluated: 2023-05-19. Review status: criteria provided, single submitter. Criteria: Invitae Variant Classification Sherloc (09022015). Collection method: clinical testing. Allele origin: germline.
Comment: This variant is present in population databases (rs768464573, gnomAD 0.01%). This variant has not been reported in the literature in individuals affected with SLX4-related conditions. An algorithm developed to predict the effect of missense changes on protein structure and function (PolyPhen-2) suggests that this variant is likely to be disruptive. In summary, the available evidence is currently insufficient to determine the role of this variant in disease. Therefore, it has been classified as a Variant of Uncertain Significance. This sequence change replaces aspartic acid, which is acidic and polar, with glutamic acid, which is acidic and polar, at codon 1397 of the SLX4 protein (p.Asp1397Glu).